The following is an entry in ClinVar:

ClinVar aggregate classification (germline): Likely benign. Review status: criteria provided, multiple submitters, no conflicts (2 of 4 stars). 3 submissions from 3 submitters: Likely benign (3). Last evaluated 2026-04-01.

Conditions:
Sitosterolemia (STSL). Also called: PHYTOSTEROLEMIA. Identifiers: Orphanet 2882, MedGen C0342907, MONDO:0008863.
Cardiovascular phenotype. Identifiers: MedGen CN230736.

Allele frequency attached by ClinVar (database versions not stated): ExAC 0.00002; gnomAD exomes below 0.00001 and 0.00001.
gnomAD v4.1: 7 of 1,598,542 alleles (0.00044%); highest among the groups gnomAD compares: Non-Finnish European, 0.00051%; no homozygotes.

Submissions (3):

CeGaT Center for Human Genetics Tuebingen
Classification: Likely benign. Last evaluated: 2026-04-01. Review status: criteria provided, single submitter. Criteria: CeGaT Center For Human Genetics Tuebingen Variant Classification Criteria Version 2. Collection method: clinical testing. Allele origin: germline. Affected: yes. Observed: 1 variant allele.
Comment: ABCG5: BP4, BP7

Ambry Genetics
Classification: Likely benign for Cardiovascular phenotype. Last evaluated: 2025-08-28. Review status: criteria provided, single submitter. Criteria: Ambry Variant Classification Scheme 2023. Collection method: clinical testing. Allele origin: germline.

Labcorp Genetics (formerly Invitae), Labcorp
Classification: Likely benign for Sitosterolemia. Last evaluated: 2023-11-14. Review status: criteria provided, single submitter. Criteria: Invitae Variant Classification Sherloc (09022015). Collection method: clinical testing. Allele origin: germline.

NM_022436.3(ABCG5):c.1878T>C (p.Ile626=)

Genes: ABCG5 (ATP binding cassette subfamily G member 5; minus strand), DYNC2LI1 (dynein cytoplasmic 2 light intermediate chain 1; plus strand). Cytogenetic location: 2p21.
Variant type: single nucleotide variant.
Coding change: c.1878T>C on transcript NM_022436.3 (MANE Select); coding-DNA position 1878, T replaced by C.
Protein change: p.Ile626=; no amino-acid change (isoleucine 626 retained).
Molecular consequence: synonymous variant. On other transcripts: intron variant (2).
Genome position (GRCh38, 1-based): chr2:43,813,194, A>G on the plus strand (T>C on the coding strand, the complement: ABCG5 is on the minus strand). VCF-style: chr2-43813194-A-G. GRCh37 (hg19) VCF-style: chr2-44040333-A-G.
Other names: c.*15+2670A>G (NM_001348913.2, NM_001348912.2).
Identifiers: ClinVar variation 1145752 (VCV001145752.12), dbSNP rs768890956, ClinGen allele CA1636130.
Genomic context (GRCh38, chr2:43,813,194, plus strand): 5'-ATCCCTTATTTTGAAAACAACTATTCCTAGGATGACAAGAGCTGGAATAAATGAATACAA[A>G]ATCAGAAAGTTCATTGTGAATCTAGATGTTGCACCTGGGCAGGTTTTCTCAATGAATTGA-3'
Protein context (NP_071881.1, residues 616-636): ATSRFTMNFL[Ile626=]LYSFIPALVI